The following is an entry in ClinVar:

ClinVar aggregate classification (germline): Uncertain significance (1 of 4 stars; one submission).

Conditions:
Inborn genetic diseases. Identifiers: MedGen C0950123, MeSH D030342.

Submission:

Ambry Genetics
Classification: Uncertain significance for Inborn genetic diseases. Last evaluated: 2020-10-27. Review status: criteria provided, single submitter. Criteria: Ambry Variant Classification Scheme 2023. Collection method: clinical testing. Allele origin: germline.
Comment: The c.1375_1381delCTTCTAAinsT variant (also known as p.L459_I461delinsF), located in coding exon 8 of the SETX gene, results from an in-frame deletion of CTTCTAA and insertion of T at nucleotide positions 1375 to 1381. This results in the substitution of three residues for a phenylalanine residue at codons 459 to 461. This amino acid region is well conserved in available vertebrate species. In addition, this alteration is predicted to be deleterious by in silico analysis (Choi Y et al. PLoS ONE. 2012; 7(10):e46688). Since supporting evidence is limited at this time, the clinical significance of this alteration remains unclear.

NM_015046.7(SETX):c.1375_1381delinsT (p.Leu459_Ile461delinsPhe)

Gene: SETX (senataxin; minus strand). Cytogenetic location: 9q34.13.
Variant type: Indel.
Coding change: c.1375_1381delinsT on transcript NM_015046.7 (MANE Select); coding-DNA positions 1375 to 1381, CTTCTAA replaced by T.
Protein change: p.Leu459_Ile461delinsPhe.
Molecular consequence: inframe indel.
Genome position (GRCh38, 1-based): chr9:132,330,217-132,330,223, TTAGAAG replaced by A on the plus strand (CTTCTAA replaced by T on the coding strand, the reverse complement: SETX is on the minus strand). VCF-style: chr9-132330217-TTAGAAG-A. GRCh37 (hg19) VCF-style: chr9-135205604-TTAGAAG-A.
Other names: c.1375_1381delinsT, p.Leu459_Ile461delinsPhe (NM_001351527.2, NM_001351528.2).
Identifiers: ClinVar variation 1771124 (VCV001771124.2), dbSNP rs2539134867, ClinGen allele CA2580079956.